The following is an entry in ClinVar:

ClinVar aggregate classification (germline): Uncertain significance (1 of 4 stars; one submission).

Allele frequency attached by ClinVar (database versions not stated): gnomAD exomes below 0.00001.
gnomAD v4.1: 3 of 1,566,090 alleles (0.00019%); highest among the groups gnomAD compares: Non-Finnish European, 0.00017%; no homozygotes.

Submission:

Labcorp Genetics (formerly Invitae), Labcorp
Classification: Uncertain significance. Last evaluated: 2022-06-05. Review status: criteria provided, single submitter. Criteria: Invitae Variant Classification Sherloc (09022015). Collection method: clinical testing. Allele origin: germline.
Comment: This variant has not been reported in the literature in individuals affected with SLC46A1-related conditions. This sequence change replaces alanine with valine at codon 390 of the SLC46A1 protein (p.Ala390Val). The alanine residue is highly conserved and there is a small physicochemical difference between alanine and valine. This variant is not present in population databases (gnomAD no frequency). ClinVar contains an entry for this variant (Variation ID: 1498690). Experimental studies and prediction algorithms are not available or were not evaluated, and the functional significance of this variant is currently unknown. In summary, the available evidence is currently insufficient to determine the role of this variant in disease. Therefore, it has been classified as a Variant of Uncertain Significance.

NM_080669.6(SLC46A1):c.1169C>T (p.Ala390Val)

Genes: SARM1 (sterile alpha and TIR motif containing 1; plus strand), SLC46A1 (solute carrier family 46 member 1; minus strand). Cytogenetic location: 17q11.2.
Variant type: single nucleotide variant.
Coding change: c.1169C>T on transcript NM_080669.6 (MANE Select); coding-DNA position 1169, C replaced by T.
Protein change: p.Ala390Val; replaces alanine 390 with valine.
Molecular consequence: missense variant. On other transcripts: 3 prime UTR variant (1).
Genome position (GRCh38, 1-based): chr17:28,400,763, G>A on the plus strand (C>T on the coding strand, the complement: SLC46A1 is on the minus strand). VCF-style: chr17-28400763-G-A. GRCh37 (hg19) VCF-style: chr17-26727780-G-A.
Other names: c.1085C>T, p.Ala362Val (NM_001242366.3); c.*4477G>A (NM_015077.4); short protein forms A362V, A390V.
Identifiers: ClinVar variation 1498690 (VCV001498690.6), dbSNP rs2142455345, ClinGen allele CA398343127.